The following is an entry in ClinVar:

NM_003628.6(PKP4):c.739T>C (p.Ser247Pro)

Gene: PKP4 (plakophilin 4; plus strand). Cytogenetic location: 2q24.1.
Variant type: single nucleotide variant.
Coding change: c.739T>C on transcript NM_003628.6 (MANE Select); coding-DNA position 739, T replaced by C.
Protein change: p.Ser247Pro; replaces serine 247 with proline.
Molecular consequence: missense variant. On other transcripts: 5 prime UTR variant (1).
Genome position (GRCh38, 1-based): chr2:158,625,013, T>C. VCF-style: chr2-158625013-T-C. GRCh37 (hg19) VCF-style: chr2-159481525-T-C.
Other names: c.739T>C, p.Ser247Pro (NM_001005476.4, NM_001304969.3, NM_001304971.2 and 6 more transcripts); c.-288T>C (NM_001304970.3); c.733T>C, p.Ser245Pro (NM_001377222.1, NM_001377223.1, NM_001377224.1); short protein forms S245P, S247P.
Identifiers: ClinVar variation 3223531 (VCV003223531.1), dbSNP rs1254876115, ClinGen allele CA348905654.
Genomic context (GRCh38, chr2:158,625,013, plus strand): 5'-AGCACAGGCGTGTCTCCTTCAAGGGGGTCTCTGAGAACTTCTCTGGGTAGTGGATTTGGC[T>C]CTCCGTCAGTGACCGACCCCCGACCTCTGAACCCCAGTGCATATTCCTCCACCACATTAC-3'
Protein context (NP_003619.2, residues 237-257): LRTSLGSGFG[Ser247Pro]PSVTDPRPLN

ClinVar aggregate classification (germline): Uncertain significance (1 of 4 stars; one submission).

Allele frequency attached by ClinVar (database versions not stated): TOPMed 0.00001.

Submission:

Ambry Genetics
Classification: Uncertain significance. Last evaluated: 2023-12-02. Review status: criteria provided, single submitter. Criteria: Ambry Variant Classification Scheme 2023. Collection method: clinical testing. Allele origin: germline.
Comment: The p.S247P variant (also known as c.739T>C), located in coding exon 6 of the PKP4 gene, results from a T to C substitution at nucleotide position 739. The serine at codon 247 is replaced by proline, an amino acid with similar properties. This amino acid position is conserved. In addition, the in silico prediction for this alteration is inconclusive. Since supporting evidence is limited at this time, the clinical significance of this alteration remains unclear.